The following is an entry in ClinVar:

ClinVar aggregate classification (germline): Uncertain significance. Review status: criteria provided, multiple submitters, no conflicts (2 of 4 stars). 2 submissions from 2 submitters: Uncertain significance (2). Last evaluated 2022-08-23.

Conditions:
Inborn genetic diseases. Identifiers: MedGen C0950123, MeSH D030342.
Hyperphosphatasia with impaired intellectual development syndrome 2. Also called: GLYCOSYLPHOSPHATIDYLINOSITOL BIOSYNTHESIS DEFECT 6; Hyperphosphatasia with intellectual disability syndrome 2. Identifiers: Orphanet 247262, MedGen C3553637, MONDO:0013882, OMIM 614749.

Allele frequency attached by ClinVar (database versions not stated): gnomAD 0.00001; gnomAD exomes 0.00001; TOPMed 0.00001.
gnomAD v4.1: 23 of 1,613,056 alleles (0.0014%); highest among the groups gnomAD compares: East Asian, 0.025%; no homozygotes.

Submissions (2):

Labcorp Genetics (formerly Invitae), Labcorp
Classification: Uncertain significance for Hyperphosphatasia with impaired intellectual development syndrome 2. Last evaluated: 2022-08-23. Review status: criteria provided, single submitter. Criteria: Invitae Variant Classification Sherloc (09022015). Collection method: clinical testing. Allele origin: germline.
Comment: In summary, the available evidence is currently insufficient to determine the role of this variant in disease. Therefore, it has been classified as a Variant of Uncertain Significance. Algorithms developed to predict the effect of missense changes on protein structure and function (SIFT, PolyPhen-2, Align-GVGD) all suggest that this variant is likely to be tolerated. ClinVar contains an entry for this variant (Variation ID: 473223). This variant has not been reported in the literature in individuals affected with PIGO-related conditions. This variant is present in population databases (rs762428877, gnomAD 0.03%). This sequence change replaces arginine, which is basic and polar, with tryptophan, which is neutral and slightly polar, at codon 745 of the PIGO protein (p.Arg745Trp).

Ambry Genetics
Classification: Uncertain significance for Inborn genetic diseases. Last evaluated: 2022-05-18. Review status: criteria provided, single submitter. Criteria: Ambry Variant Classification Scheme 2023. Collection method: clinical testing. Allele origin: germline.

NM_032634.4(PIGO):c.2233C>T (p.Arg745Trp)

Gene: PIGO (phosphatidylinositol glycan anchor biosynthesis class O; minus strand). Cytogenetic location: 9p13.3.
Variant type: single nucleotide variant.
Coding change: c.2233C>T on transcript NM_032634.4 (MANE Select); coding-DNA position 2233, C replaced by T.
Protein change: p.Arg745Trp; replaces arginine 745 with tryptophan.
Molecular consequence: missense variant. On other transcripts: intron variant (2).
Genome position (GRCh38, 1-based): chr9:35,091,654, G>A on the plus strand (C>T on the coding strand, the complement: PIGO is on the minus strand). VCF-style: chr9-35091654-G-A. GRCh37 (hg19) VCF-style: chr9-35091651-G-A.
Other names: c.1345-363C>T (NM_152850.4, NM_001201484.2); short protein forms R745W.
Identifiers: ClinVar variation 473223 (VCV000473223.10), dbSNP rs762428877, ClinGen allele CA5040466.